The following is an entry in ClinVar:

ClinVar aggregate classification (germline): Pathogenic (1 of 4 stars; one submission).

Submission:

GeneDx
Classification: Pathogenic. Last evaluated: 2019-12-10. Review status: criteria provided, single submitter. Criteria: GeneDx Variant Classification Process June 2021. Collection method: clinical testing. Allele origin: germline. Affected: yes.
Comment: Frameshift variant in the C-terminus predicted to result in protein truncation, as the last 201 amino acids are lost and replaced with 3 incorrect amino acids; Not observed in large population cohorts (Lek et al., 2016); Has not been previously published as pathogenic or benign to our knowledge

NM_003620.4(PPM1D):c.1212del (p.Glu405fs)

Gene: PPM1D (protein phosphatase, Mg2+/Mn2+ dependent 1D; plus strand). Cytogenetic location: 17q23.2.
Variant type: Deletion.
Coding change: c.1212del on transcript NM_003620.4 (MANE Select); coding-DNA position 1212, one base deleted (A; older notation c.1212delA).
Protein change: p.Glu405fs; shifts the reading frame from glutamic acid 405.
Molecular consequence: frameshift variant.
Genome position (GRCh38, 1-based): chr17:60,656,793, A deleted; the last of 2 consecutive A bases (chr17:60,656,792-60,656,793); deleting either gives the same sequence. VCF-style (leftmost placement, unchanged base first): chr17-60656791-CA-C. GRCh37 (hg19) VCF-style: chr17-58734152-CA-C.
Other names: c.1212delA (NM_003620.3); short protein forms E405fs.
Identifiers: ClinVar variation 503784 (VCV000503784.3), dbSNP rs1555648558, ClinGen allele CA658798916.